The following is an entry in ClinVar:

NM_006172.4(NPPA):c.368G>A (p.Arg123Gln)

Genes: NPPA (natriuretic peptide A; minus strand), NPPA-AS1 (NPPA antisense RNA 1; plus strand), LOC114827827 (VISTA enhancer hs2123; plus strand). Cytogenetic location: 1p36.22.
Variant type: single nucleotide variant.
Coding change: c.368G>A on transcript NM_006172.4 (MANE Select); coding-DNA position 368, G replaced by A.
Protein change: p.Arg123Gln; replaces arginine 123 with glutamine.
Molecular consequence: missense variant.
Genome position (GRCh38, 1-based): chr1:11,847,195, C>T on the plus strand (G>A on the coding strand, the complement: NPPA is on the minus strand). VCF-style: chr1-11847195-C-T. GRCh37 (hg19) VCF-style: chr1-11907252-C-T.
Other names: short protein forms R123Q.
Identifiers: ClinVar variation 936415 (VCV000936415.9), dbSNP rs1278439312, ClinGen allele CA338449390.

ClinVar aggregate classification (germline): Uncertain significance (1 of 4 stars; one submission).

Conditions:
Atrial fibrillation, familial, 6 (ATFB6). Identifiers: MedGen C2677294, MONDO:0012816, OMIM 612201.

Allele frequency attached by ClinVar (database versions not stated): gnomAD 0.00001; TOPMed 0.00001.
gnomAD v4.1: 19 of 1,606,600 alleles (0.0012%); highest among the groups gnomAD compares: East Asian, 0.0045%; no homozygotes.

Submission:

Labcorp Genetics (formerly Invitae), Labcorp
Classification: Uncertain significance for Atrial fibrillation, familial, 6. Last evaluated: 2025-12-31. Review status: criteria provided, single submitter. Criteria: Invitae Variant Classification Sherloc (09022015). Collection method: clinical testing. Allele origin: germline.
Comment: This sequence change replaces arginine, which is basic and polar, with glutamine, which is neutral and polar, at codon 123 of the NPPA protein (p.Arg123Gln). This variant is not present in population databases (gnomAD no frequency). This variant has not been reported in the literature in individuals affected with NPPA-related conditions. ClinVar contains an entry for this variant (Variation ID: 936415). An algorithm developed to predict the effect of missense changes on protein structure and function (PolyPhen-2) suggests that this variant is likely to be disruptive. In summary, the available evidence is currently insufficient to determine the role of this variant in disease. Therefore, it has been classified as a Variant of Uncertain Significance.